The following is an entry in ClinVar:

NM_014915.3(ANKRD26):c.47T>A (p.Phe16Tyr)

Genes: ANKRD26 (ankyrin repeat domain 26; minus strand), LOC130003554 (ATAC-STARR-seq lymphoblastoid silent region 2243; plus strand). Cytogenetic location: 10p12.1.
Variant type: single nucleotide variant.
Coding change: c.47T>A on transcript NM_014915.3 (MANE Select); coding-DNA position 47, T replaced by A.
Protein change: p.Phe16Tyr; replaces phenylalanine 16 with tyrosine.
Molecular consequence: missense variant.
Genome position (GRCh38, 1-based): chr10:27,100,280, A>T on the plus strand (T>A on the coding strand, the complement: ANKRD26 is on the minus strand). VCF-style: chr10-27100280-A-T. GRCh37 (hg19) VCF-style: chr10-27389209-A-T.
Other names: c.47T>A, p.Phe16Tyr (NM_001256053.2); short protein forms F16Y.
Identifiers: ClinVar variation 4842365 (VCV004842365.1).

ClinVar aggregate classification (germline): Uncertain significance (1 of 4 stars; one submission).

Conditions:
Inborn genetic diseases. Identifiers: MedGen C0950123, MeSH D030342.

Submission:

Ambry Genetics
Classification: Uncertain significance for Inborn genetic diseases. Last evaluated: 2026-01-11. Review status: criteria provided, single submitter. Criteria: Ambry Variant Classification Scheme 2023. Collection method: clinical testing. Allele origin: germline.
Comment: The p.F16Y variant (also known as c.47T>A), located in coding exon 1 of the ANKRD26 gene, results from a T to A substitution at nucleotide position 47. The phenylalanine at codon 16 is replaced by tyrosine, an amino acid with highly similar properties. This amino acid position is conserved. In addition, this alteration is predicted to be tolerated by in silico analysis. Based on the available evidence, the clinical significance of this variant remains unclear.